The following is an entry in ClinVar:

ClinVar aggregate classification (germline): Pathogenic (1 of 4 stars; one submission).

Submission:

Labcorp Genetics (formerly Invitae), Labcorp
Classification: Pathogenic. Last evaluated: 2024-10-24. Review status: criteria provided, single submitter. Criteria: Invitae Variant Classification Sherloc (09022015). Collection method: clinical testing. Allele origin: germline.
Comment: This sequence change creates a premature translational stop signal (p.Ile17Serfs*10) in the TTC37 gene. It is expected to result in an absent or disrupted protein product. Loss-of-function variants in TTC37 are known to be pathogenic (PMID: 20176027, 21120949). This variant is present in population databases (no rsID available, gnomAD 0.0009%). This variant has not been reported in the literature in individuals affected with TTC37-related conditions. For these reasons, this variant has been classified as Pathogenic.

Literature cited by the submitters: PubMed 20176027; PubMed 21120949.

NM_014639.4(SKIC3):c.49del (p.Ile17fs)

Gene: SKIC3 (SKI3 subunit of superkiller complex; minus strand). Cytogenetic location: 5q15.
Variant type: Deletion.
Coding change: c.49del on transcript NM_014639.4 (MANE Select); coding-DNA position 49, one base deleted (A; older notation c.49delA).
Protein change: p.Ile17fs; shifts the reading frame from isoleucine 17.
Molecular consequence: frameshift variant.
Genome position (GRCh38, 1-based): chr5:95,547,102, T deleted on the plus strand (A on the coding strand, the reverse complement: SKIC3 is on the minus strand); the first of 2 consecutive T bases (chr5:95,547,102-95,547,103); deleting either gives the same sequence. VCF-style (leftmost placement, unchanged base first): chr5-95547101-AT-A. GRCh37 (hg19) VCF-style: chr5-94882805-AT-A.
Other names: short protein forms I17fs.
Identifiers: ClinVar variation 2961690 (VCV002961690.3), dbSNP rs1157519746, ClinGen allele CA561271099.